The following is an entry in ClinVar:

NM_005560.6(LAMA5):c.7558G>A (p.Glu2520Lys)

Gene: LAMA5 (laminin subunit alpha 5; minus strand). Cytogenetic location: 20q13.33.
Variant type: single nucleotide variant.
Coding change: c.7558G>A on transcript NM_005560.6 (MANE Select); coding-DNA position 7558, G replaced by A.
Protein change: p.Glu2520Lys; replaces glutamic acid 2520 with lysine.
Molecular consequence: missense variant.
Genome position (GRCh38, 1-based): chr20:62,316,977, C>T on the plus strand (G>A on the coding strand, the complement: LAMA5 is on the minus strand). VCF-style: chr20-62316977-C-T. GRCh37 (hg19) VCF-style: chr20-60892033-C-T.
Other names: short protein forms E2520K.
Identifiers: ClinVar variation 2383733 (VCV002383733.5), dbSNP rs761217624, ClinGen allele CA9941165.
Genomic context (GRCh38, chr20:62,316,977, plus strand): 5'-CAGCAGCATCCTCGGCAGCCTGCACGGCCTGCAGGATGCGGCTGTAGGCGTTGGAGGCCT[C>T]GATGGCCCTCTGGGTGAGGCGGTCCTGGTTGACGTCCAGGATGATGCTGCAGCGGAAGGG-3'
Protein context (NP_005551.3, residues 2510-2530): NQDRLTQRAI[Glu2520Lys]ASNAYSRILQ

ClinVar aggregate classification (germline): Uncertain significance. Review status: criteria provided, multiple submitters, no conflicts (2 of 4 stars). 2 submissions from 2 submitters: Uncertain significance (2). Last evaluated 2025-08-21.

Conditions:
Inborn genetic diseases. Identifiers: MedGen C0950123, MeSH D030342.

Allele frequency attached by ClinVar (database versions not stated): gnomAD 0.00004; TOPMed 0.00005; ExAC 0.00004; gnomAD exomes 0.00002.
gnomAD v4.1: 31 of 1,561,762 alleles (0.002%); highest among the groups gnomAD compares: Admixed American, 0.036%; no homozygotes.

Submissions (2):

Labcorp Genetics (formerly Invitae), Labcorp
Classification: Uncertain significance. Last evaluated: 2025-08-21. Review status: criteria provided, single submitter. Criteria: Invitae Variant Classification Sherloc (09022015). Collection method: clinical testing. Allele origin: germline.
Comment: This sequence change replaces glutamic acid, which is acidic and polar, with lysine, which is basic and polar, at codon 2520 of the LAMA5 protein (p.Glu2520Lys). This variant is present in population databases (rs761217624, gnomAD 0.05%). This variant has not been reported in the literature in individuals affected with LAMA5-related conditions. ClinVar contains an entry for this variant (Variation ID: 2383733). Invitae Evidence Modeling of protein sequence and biophysical properties (such as structural, functional, and spatial information, amino acid conservation, physicochemical variation, residue mobility, and thermodynamic stability) indicates that this missense variant is not expected to disrupt LAMA5 protein function with a negative predictive value of 80%. In summary, the available evidence is currently insufficient to determine the role of this variant in disease. Therefore, it has been classified as a Variant of Uncertain Significance.

Ambry Genetics
Classification: Uncertain significance for Inborn genetic diseases. Last evaluated: 2022-09-06. Review status: criteria provided, single submitter. Criteria: Ambry Variant Classification Scheme 2023. Collection method: clinical testing. Allele origin: germline.